The following is an entry in ClinVar:

NM_001122630.2(CDKN1C):c.382G>A (p.Val128Ile)

Gene: CDKN1C (cyclin dependent kinase inhibitor 1C; minus strand). Cytogenetic location: 11p15.4.
Variant type: single nucleotide variant.
Coding change: c.382G>A on transcript NM_001122630.2 (MANE Select); coding-DNA position 382, G replaced by A.
Protein change: p.Val128Ile; replaces valine 128 with isoleucine.
Molecular consequence: missense variant. On other transcripts: intron variant (1).
Genome position (GRCh38, 1-based): chr11:2,885,075, C>T on the plus strand (G>A on the coding strand, the complement: CDKN1C is on the minus strand). VCF-style: chr11-2885075-C-T. GRCh37 (hg19) VCF-style: chr11-2906305-C-T.
Other names: c.415G>A, p.Val139Ile (LRG_533t1, NM_000076.2, NM_001362474.2); c.382G>A, p.Val128Ile (NM_001122631.2); c.255+127G>A (NM_001362475.2); short protein forms V139I, V128I.
Identifiers: ClinVar variation 454000 (VCV000454000.9), dbSNP rs1183623363, ClinGen allele CA379146741.

ClinVar aggregate classification (germline): Uncertain significance (1 of 4 stars; one submission).

Conditions:
Beckwith-Wiedemann syndrome (BWS). Also called: EMG SYNDROME; Exomphalos macroglossia gigantism syndrome. Identifiers: Orphanet 116, MedGen C0004903, MONDO:0007534, OMIM 130650.

Allele frequency attached by ClinVar (database versions not stated): gnomAD 0.00001; TOPMed 0.00001.
gnomAD v4.1: 6 of 1,397,548 alleles (0.00043%); highest among the groups gnomAD compares: Non-Finnish European, 0.00055%; no homozygotes.

Submission:

Labcorp Genetics (formerly Invitae), Labcorp
Classification: Uncertain significance for Beckwith-Wiedemann syndrome. Last evaluated: 2023-05-12. Review status: criteria provided, single submitter. Criteria: Invitae Variant Classification Sherloc (09022015). Collection method: clinical testing. Allele origin: germline.
Comment: In summary, the available evidence is currently insufficient to determine the role of this variant in disease. Therefore, it has been classified as a Variant of Uncertain Significance. Experimental studies and prediction algorithms are not available or were not evaluated, and the functional significance of this variant is currently unknown. ClinVar contains an entry for this variant (Variation ID: 454000). This variant has not been reported in the literature in individuals affected with CDKN1C-related conditions. This variant is present in population databases (no rsID available, gnomAD 0.007%). This sequence change replaces valine, which is neutral and non-polar, with isoleucine, which is neutral and non-polar, at codon 139 of the CDKN1C protein (p.Val139Ile).